The following is an entry in ClinVar:

ClinVar aggregate classification (germline): Conflicting classifications of pathogenicity. Review status: criteria provided, conflicting classifications (1 of 4 stars). 10 submissions from 10 submitters: Uncertain significance (5); Likely benign (3). 2 of the submissions do not count toward it. Last evaluated 2025-05-08.

Conditions:
Hereditary breast ovarian cancer syndrome. Also called: Breast and ovarian cancer; Hereditary breast and ovarian cancer; Hereditary breast and ovarian cancer syndrome; BRCA1- and BRCA2-Associated Hereditary Breast and Ovarian Cancer; Hereditary breast and ovarian cancer syndrome (HBOC); Hereditary breast and/or ovarian cancer syndrome. Identifiers: Orphanet 145, MedGen C0677776, MeSH D061325, MONDO:0003582. Disease mechanism: loss of function.
BRCA2-related cancer predisposition. Identifiers: MedGen CN377758, MONDO:0700269.
Hereditary cancer-predisposing syndrome. Also called: Tumor predisposition; Hereditary Cancer Syndrome; Neoplastic Syndromes, Hereditary; Hereditary neoplastic syndrome. Identifiers: Orphanet 140162, MedGen C0027672, MeSH D009386, MONDO:0015356.
Breast-ovarian cancer, familial, susceptibility to, 2 (BROVCA2). Also called: BRCA2 Hereditary Breast and Ovarian Cancer. Identifiers: Orphanet 145, MedGen C2675520, MONDO:0012933, OMIM 612555. Disease mechanism: loss of function.

Allele frequency attached by ClinVar (database versions not stated): gnomAD exomes below 0.00001 and 0.00001; TOPMed 0.00001.
gnomAD v4.1: 4 of 1,614,028 alleles (0.00025%); highest among the groups gnomAD compares: Admixed American, 0.0067%; no homozygotes.

Submissions (10):

Ambry Genetics
Classification: Likely benign for Hereditary cancer-predisposing syndrome. Last evaluated: 2025-05-08. Review status: criteria provided, single submitter. Criteria: Ambry Variant Classification Scheme 2023. Collection method: clinical testing. Allele origin: germline.

Labcorp Genetics (formerly Invitae), Labcorp
Classification: Likely benign for Hereditary breast ovarian cancer syndrome. Last evaluated: 2025-04-16. Review status: criteria provided, single submitter. Criteria: Invitae Variant Classification Sherloc (09022015). Collection method: clinical testing. Allele origin: germline.

Quest Diagnostics Nichols Institute San Juan Capistrano
Classification: Uncertain significance. Last evaluated: 2024-11-20. Review status: criteria provided, single submitter. Criteria: Quest Diagnostics criteria. Collection method: clinical testing. Allele origin: unknown.
Comment: The BRCA2 c.8366A>G (p.Tyr2789Cys) variant has been reported in an individual each with acute lymphoblastic leukemia (ALL) (PMID: 26580448 (2015)), and an individual with Fibrolamellar hepatocellular carcinoma (FLC) (PMID: 25557953 (2015)). This variant has also been identified in a reportedly healthy individual (PMID: 35585550 (2022)). The frequency of this variant in the general population, 0.000004 (1/251424 chromosomes (Genome Aggregation Database)), is uninformative in the assessment of its pathogenicity. Analysis of this variant using bioinformatics tools for the prediction of the effect of amino acid changes on protein structure and function yielded conflicting predictions that this variant is benign or damaging. Based on the available information, we are unable to determine the clinical significance of this variant.

All of Us Research Program, National Institutes of Health
Classification: Uncertain significance for BRCA2-related cancer predisposition. Last evaluated: 2024-07-29. Review status: criteria provided, single submitter. Criteria: ACMG Guidelines, 2015. Collection method: clinical testing. Allele origin: germline. Inheritance: Autosomal dominant inheritance. Observed: 1 variant allele, 1 heterozygote.
Comment: This missense variant replaces tyrosine with cysteine at codon 2789 of the BRCA2 protein. Computational prediction is inconclusive regarding the impact of this variant on protein structure and function (internally defined REVEL score threshold 0.5 < inconclusive < 0.7, PMID: 27666373). To our knowledge, functional studies have not been reported for this variant. This variant has not been reported in individuals affected with hereditary cancer in the literature and has been reported in an unaffected individual (PMID: 33471991; Leiden Open Variation Database DB-ID BRCA2_008663). This variant has been identified in 1/251424 chromosomes in the general population by the Genome Aggregation Database (gnomAD). The available evidence is insufficient to determine the role of this variant in disease conclusively. Therefore, this variant is classified as a Variant of Uncertain Significance.

This study involves interpretation of variants in research participants for the purpose of population health screening. Participant phenotype was not available at the time of variant classification. Additional details can be found in publication PMID: 35346344, PMCID: PMC8962531

Color Diagnostics, LLC DBA Color Health
Classification: Uncertain significance for Hereditary cancer-predisposing syndrome. Last evaluated: 2024-04-01. Review status: criteria provided, single submitter. Criteria: ACMG Guidelines, 2015. Collection method: clinical testing. Allele origin: germline.
Comment: This missense variant replaces tyrosine with cysteine at codon 2789 of the BRCA2 protein. Computational prediction is inconclusive regarding the impact of this variant on protein structure and function. To our knowledge, functional studies have not been reported for this variant. This variant has not been reported in individuals affected with hereditary cancer in the literature and has been reported in an unaffected individual (PMID: 33471991; Leiden Open Variation Database DB-ID BRCA2_008663). This variant has been identified in 1/251424 chromosomes in the general population by the Genome Aggregation Database (gnomAD). The available evidence is insufficient to determine the role of this variant in disease conclusively. Therefore, this variant is classified as a Variant of Uncertain Significance.

GeneDx
Classification: Uncertain significance. Last evaluated: 2024-01-22. Review status: criteria provided, single submitter. Criteria: GeneDx Variant Classification Process June 2021. Collection method: clinical testing. Allele origin: germline. Affected: yes.
Comment: Identified in a pediatric patient with hypodiploid acute lymphocytic leukemia (PMID: 26580448); Not observed at significant frequency in large population cohorts (gnomAD); In silico analysis supports that this missense variant does not alter protein structure/function; Also known as 8594A>G; This variant is associated with the following publications: (PMID: 25557953, 32377563, 29884841, 12228710, 26580448, 31853058)

Myriad Genetics, Inc.
Classification: Likely benign for Breast-ovarian cancer, familial, susceptibility to, 2. Last evaluated: 2023-08-17. Review status: criteria provided, single submitter. Criteria: Myriad Autosomal Dominant, Autosomal Recessive and X-Linked Classification Criteria (2023). Collection method: clinical testing. Allele origin: unknown.
Comment: This variant is considered likely benign. This variant is strongly associated with less severe personal and family histories of cancer, typical for individuals without pathogenic variants in this gene [PMID: 25085752].

Women's Health and Genetics/Laboratory Corporation of America, LabCorp
Classification: Uncertain significance. Last evaluated: 2021-07-08. Review status: criteria provided, single submitter. Criteria: LabCorp Variant Classification Summary - May 2015. Collection method: clinical testing. Allele origin: germline.
Comment: Variant summary: BRCA2 c.8366A>G (p.Tyr2789Cys) results in a non-conservative amino acid change located in the BRCA2, OB1 domain (IPR015187) of the encoded protein sequence. Five of five in-silico tools predict a damaging effect of the variant on protein function. The variant allele was found at a frequency of 4e-06 in 251424 control chromosomes. The available data on variant occurrences in the general population are insufficient to allow any conclusion about variant significance. c.8366A>G has been reported in the literature as a VUS of germline origin in at-least one individual with hypodiploid ALL (Zhang_2015) and as a presumed germline variant in the setting of Fibrolamellar hepatocellular carcinoma (Cornella_2015). These report(s) do not provide unequivocal conclusions about association of the variant with Hereditary Breast And Ovarian Cancer Syndrome. To our knowledge, no experimental evidence demonstrating an impact on protein function has been reported. Four clinical diagnostic laboratories have submitted clinical-significance assessments for this variant to ClinVar after 2014 without evidence for independent evaluation. All laboratories classified the variant as uncertain significance. Some submitters cite overlapping evidence utilized in the context of this evaluation. Based on the evidence outlined above, the variant was classified as uncertain significance.

Counsyl
Classification: Uncertain significance for Breast-ovarian cancer, familial, susceptibility to, 2. Last evaluated: 2016-10-27. Review status: no assertion criteria provided. Collection method: clinical testing. Allele origin: unknown. Not counted in ClinVar's aggregate classification.

Sharing Clinical Reports Project (SCRP)
Classification: Uncertain significance for Breast-ovarian cancer, familial 2. Last evaluated: 2008-02-12. Review status: no assertion criteria provided. Collection method: clinical testing. Allele origin: germline. Not counted in ClinVar's aggregate classification.

Literature cited by the submitters: PubMed 26580448 (cited by 4 submitters); PubMed 31911673 (cited by Quest Diagnostics Nichols Institute San Juan Capistrano); PubMed 31853058 (cited by Quest Diagnostics Nichols Institute San Juan Capistrano); PubMed 28569743 (cited by Quest Diagnostics Nichols Institute San Juan Capistrano); PubMed 25557953 (cited by Quest Diagnostics Nichols Institute San Juan Capistrano and Women's Health and Genetics/Laboratory Corporation of America, LabCorp); PubMed 35585550 (cited by Quest Diagnostics Nichols Institute San Juan Capistrano); PubMed 33471991 (cited by All of Us Research Program, National Institutes of Health and Color Diagnostics, LLC DBA Color Health); PubMed 25085752 (cited by Myriad Genetics, Inc.).

NM_000059.4(BRCA2):c.8366A>G (p.Tyr2789Cys)

Gene: BRCA2 (BRCA2 DNA repair associated; plus strand). Cytogenetic location: 13q13.1.
Variant type: single nucleotide variant.
Coding change: c.8366A>G on transcript NM_000059.4 (MANE Select); coding-DNA position 8366, A replaced by G.
Protein change: p.Tyr2789Cys; replaces tyrosine 2789 with cysteine.
Molecular consequence: missense variant.
Genome position (GRCh38, 1-based): chr13:32,370,436, A>G. VCF-style: chr13-32370436-A-G. GRCh37 (hg19) VCF-style: chr13-32944573-A-G.
Other names: 8594A>G; short protein forms Y2789C.
Identifiers: ClinVar variation 91508 (VCV000091508.33), dbSNP rs398122603, ClinGen allele CA025606.
Genomic context (GRCh38, chr13:32,370,436, plus strand): 5'-ATCAATATATTTATTAATTTGTCCAGATTTCTGCTAACAGTACTCGGCCTGCTCGCTGGT[A>G]TACCAAACTTGGATTCTTTCCTGACCCTAGACCTTTTCCTCTGCCCTTATCATCGCTTTT-3'
Protein context (NP_000050.3, residues 2779-2799): SANSTRPARW[Tyr2789Cys]TKLGFFPDPR